The following is an entry in ClinVar:

ClinVar aggregate classification (germline): Uncertain significance (1 of 4 stars; one submission).

Submission:

CeGaT Center for Human Genetics Tuebingen
Classification: Uncertain significance. Last evaluated: 2022-10-01. Review status: criteria provided, single submitter. Criteria: CeGaT Center For Human Genetics Tuebingen Variant Classification Criteria Version 2. Collection method: clinical testing. Allele origin: germline. Affected: yes. Observed: 1 variant allele.
Comment: ANKRD62: PM2

NM_001277333.2(ANKRD62):c.773A>T (p.Glu258Val)

Gene: ANKRD62 (ankyrin repeat domain 62; plus strand). Cytogenetic location: 18p11.21.
Variant type: single nucleotide variant.
Coding change: c.773A>T on transcript NM_001277333.2 (MANE Select); coding-DNA position 773, A replaced by T.
Protein change: p.Glu258Val; replaces glutamic acid 258 with valine.
Molecular consequence: missense variant.
Genome position (GRCh38, 1-based): chr18:12,099,635, A>T. VCF-style: chr18-12099635-A-T. GRCh37 (hg19) VCF-style: chr18-12099634-A-T.
Other names: short protein forms E258V.
Identifiers: ClinVar variation 2648592 (VCV002648592.24), dbSNP rs1326293882, ClinGen allele CA401939158.